The following is an entry in ClinVar:

NM_020987.5(ANK3):c.9589C>G (p.Pro3197Ala)

Gene: ANK3 (ankyrin 3; minus strand). Cytogenetic location: 10q21.2.
Variant type: single nucleotide variant.
Coding change: c.9589C>G on transcript NM_020987.5 (MANE Select); coding-DNA position 9589, C replaced by G.
Protein change: p.Pro3197Ala; replaces proline 3197 with alanine.
Molecular consequence: missense variant. On other transcripts: intron variant (4).
Genome position (GRCh38, 1-based): chr10:60,071,292, G>C on the plus strand (C>G on the coding strand, the complement: ANK3 is on the minus strand). VCF-style: chr10-60071292-G-C. GRCh37 (hg19) VCF-style: chr10-61831050-G-C.
Other names: c.4388-3283C>G (NM_001204403.2); c.4409-3283C>G (NM_001204404.2); c.4406-3283C>G (NM_001320874.2); c.1808-3283C>G (NM_001149.4); short protein forms P3197A.
Identifiers: ClinVar variation 3373622 (VCV003373622.1).

ClinVar aggregate classification (germline): Uncertain significance (1 of 4 stars; one submission).

Submission:

GeneDx
Classification: Uncertain significance. Last evaluated: 2024-03-05. Review status: criteria provided, single submitter. Criteria: GeneDx Variant Classification Process June 2021. Collection method: clinical testing. Allele origin: germline. Affected: yes.
Comment: Not observed at significant frequency in large population cohorts (gnomAD); In silico analysis supports that this missense variant has a deleterious effect on protein structure/function; Has not been previously published as pathogenic or benign to our knowledge